The following is an entry in ClinVar:

ClinVar aggregate classification (germline): Uncertain significance (1 of 4 stars; one submission).

Conditions:
Febrile seizures, familial, 11 (FEB11). Also called: CONVULSIONS, FAMILIAL FEBRILE, 11. Identifiers: MedGen C3280734, MONDO:0024566, OMIM 614418.

Allele frequency attached by ClinVar (database versions not stated): ExAC 0.00001; gnomAD 0.00001 and 0.00002; TOPMed 0.00001; gnomAD exomes 0.00003; 1000 Genomes Project 30x 0.00031; 1000 Genomes Project 0.00040.
gnomAD v4.1: 15 of 1,607,246 alleles (0.00093%); highest among the groups gnomAD compares: East Asian, 0.031%; no homozygotes.

Submission:

Labcorp Genetics (formerly Invitae), Labcorp
Classification: Uncertain significance for Febrile seizures, familial, 11. Last evaluated: 2022-02-24. Review status: criteria provided, single submitter. Criteria: Invitae Variant Classification Sherloc (09022015). Collection method: clinical testing. Allele origin: germline.
Comment: This sequence change replaces threonine, which is neutral and polar, with lysine, which is basic and polar, at codon 373 of the CPA6 protein (p.Thr373Lys). In summary, the available evidence is currently insufficient to determine the role of this variant in disease. Therefore, it has been classified as a Variant of Uncertain Significance. Algorithms developed to predict the effect of missense changes on protein structure and function (SIFT, PolyPhen-2, Align-GVGD) all suggest that this variant is likely to be tolerated. ClinVar contains an entry for this variant (Variation ID: 950004). This variant has not been reported in the literature in individuals affected with CPA6-related conditions. This variant is present in population databases (rs564259689, gnomAD 0.04%), and has an allele count higher than expected for a pathogenic variant.

NM_020361.5(CPA6):c.1118C>A (p.Thr373Lys)

Genes: ARFGEF1-DT (ARFGEF1 divergent transcript; plus strand), CPA6 (carboxypeptidase A6; minus strand). Cytogenetic location: 8q13.2.
Variant type: single nucleotide variant.
Coding change: c.1118C>A on transcript NM_020361.5 (MANE Select); coding-DNA position 1118, C replaced by A.
Protein change: p.Thr373Lys; replaces threonine 373 with lysine.
Molecular consequence: missense variant.
Genome position (GRCh38, 1-based): chr8:67,428,055, G>T on the plus strand (C>A on the coding strand, the complement: CPA6 is on the minus strand). VCF-style: chr8-67428055-G-T. GRCh37 (hg19) VCF-style: chr8-68340290-G-T.
Other names: short protein forms T373K.
Identifiers: ClinVar variation 950004 (VCV000950004.10), dbSNP rs564259689, ClinGen allele CA4772709.